The following is an entry in ClinVar:

NM_000414.4(HSD17B4):c.1311C>T (p.Ser437=)

Gene: HSD17B4 (hydroxysteroid 17-beta dehydrogenase 4; plus strand). Cytogenetic location: 5q23.1.
Variant type: single nucleotide variant.
Coding change: c.1311C>T on transcript NM_000414.4 (MANE Select); coding-DNA position 1311, C replaced by T.
Protein change: p.Ser437=; no amino-acid change (serine 437 retained).
Molecular consequence: synonymous variant.
Genome position (GRCh38, 1-based): chr5:119,506,867, C>T. VCF-style: chr5-119506867-C-T. GRCh37 (hg19) VCF-style: chr5-118842562-C-T.
Other names: c.1386C>T, p.Ser462= (NM_001199291.3); c.1257C>T, p.Ser419= (NM_001199292.2); c.1239C>T, p.Ser413= (NM_001292027.2); c.891C>T, p.Ser297= (NM_001292028.2).
Identifiers: ClinVar variation 594129 (VCV000594129.19), dbSNP rs369449821, ClinGen allele CA3382175.

ClinVar aggregate classification (germline): Conflicting classifications of pathogenicity. Review status: criteria provided, conflicting classifications (1 of 4 stars). 6 submissions from 6 submitters: Uncertain significance (1); Likely benign (3). 2 of the submissions do not count toward it. Last evaluated 2025-06-03.

Conditions:
HSD17B4-related disorder. Also called: HSD17B4-related disorders; HSD17B4-related condition.
Bifunctional peroxisomal enzyme deficiency (DBIF). Also called: PBFE DEFICIENCY; D-bifunctional protein deficiency; DBP DEFICIENCY. Identifiers: Orphanet 300, MedGen C0342870, MONDO:0009855, OMIM 261515. Disease mechanism: loss of function.
Perrault syndrome. Also called: Gonadal dysgenesis with auditory dysfunction, autosomal recessive inheritance. Identifiers: Orphanet 2855, MedGen C0685838, MONDO:0017312.
Inborn genetic diseases. Identifiers: MedGen C0950123, MeSH D030342.

Allele frequency attached by ClinVar (database versions not stated): ESP Exome Variant Server 0.00008; gnomAD exomes 0.00012 and 0.00015; TOPMed 0.00013; ExAC 0.00014; gnomAD 0.00019.
gnomAD v4.1: 237 of 1,567,190 alleles (0.015%); highest among the groups gnomAD compares: African/African-American, 0.031%; 1 homozygote.

Submissions (6):

Labcorp Genetics (formerly Invitae), Labcorp
Classification: Likely benign for Perrault syndrome; Bifunctional peroxisomal enzyme deficiency. Last evaluated: 2025-06-03. Review status: criteria provided, single submitter. Criteria: Invitae Variant Classification Sherloc (09022015). Collection method: clinical testing. Allele origin: germline.

Ambry Genetics
Classification: Likely benign for Inborn genetic diseases. Last evaluated: 2024-11-09. Review status: criteria provided, single submitter. Criteria: Ambry Variant Classification Scheme 2023. Collection method: clinical testing. Allele origin: germline.

GeneDx
Classification: Likely benign. Last evaluated: 2019-04-01. Review status: criteria provided, single submitter. Criteria: GeneDx Variant Classification Process June 2021. Collection method: clinical testing. Allele origin: germline. Affected: yes.
Comment: See Variant Classification Assertion Criteria.

Eurofins Ntd Llc (ga)
Classification: Uncertain significance. Last evaluated: 2017-09-18. Review status: criteria provided, single submitter. Criteria: EGL Classification Definitions 2015. Collection method: clinical testing. Allele origin: germline. Observed: 1 variant allele, 1 heterozygote.

Natera, Inc.
Classification: Likely benign for Bifunctional peroxisomal enzyme deficiency. Last evaluated: 2020-09-16. Review status: no assertion criteria provided. Collection method: clinical testing. Allele origin: germline. Not counted in ClinVar's aggregate classification.

PreventionGenetics, part of Exact Sciences
Classification: Likely benign for HSD17B4-related condition. Last evaluated: 2019-05-20. Review status: no assertion criteria provided. Collection method: clinical testing. Allele origin: germline. Not counted in ClinVar's aggregate classification.
Comment: This variant is classified as likely benign based on ACMG/AMP sequence variant interpretation guidelines (Richards et al. 2015 PMID: 25741868, with internal and published modifications).